The following is an entry in ClinVar:

NM_005633.4(SOS1):c.3254dup (p.Pro1086fs)

Gene: SOS1 (SOS Ras/Rac guanine nucleotide exchange factor 1; minus strand). Cytogenetic location: 2p22.1.
Variant type: Duplication.
Coding change: c.3254dup on transcript NM_005633.4 (MANE Select); coding-DNA position 3254, one base duplicated (C; older notation c.3254dupC).
Protein change: p.Pro1086fs; shifts the reading frame from proline 1086.
Molecular consequence: frameshift variant.
Genome position (GRCh38, 1-based): chr2:38,995,215, G duplicated on the plus strand (C on the coding strand, the reverse complement: SOS1 is on the minus strand). VCF-style (leftmost placement, unchanged base first): chr2-38995214-T-TG. GRCh37 (hg19) VCF-style: chr2-39222355-T-TG.
Other names: c.3233dup, p.Pro1079fs (NM_001382394.1); c.3254dup, p.Pro1086fs (NM_001382395.1); short protein forms P1079fs, P1086fs.
Identifiers: ClinVar variation 2734166 (VCV002734166.3), dbSNP rs2528914743, ClinGen allele CA2586969111.
Genomic context (GRCh38, chr2:38,995,214, plus strand): 5'-AAATACACTGCAAACATCTGTGGTACTGGAAGCACCAGAAGCAGGCGGAGGTGTTAACGG[T>TG]GTTCTTGGAGAATTTGGTGCAGATGCTGTACTTTCTGTTTCACTTTCAGGGATCCTACTA-3'

ClinVar aggregate classification (germline): Uncertain significance (1 of 4 stars; one submission).

Conditions:
RASopathy. Also called: Noonan spectrum disorder; rasopathies. Identifiers: Orphanet 536391, MedGen C5555857, MONDO:0021060.

Submission:

Labcorp Genetics (formerly Invitae), Labcorp
Classification: Uncertain significance for RASopathy. Last evaluated: 2023-01-14. Review status: criteria provided, single submitter. Criteria: Invitae Variant Classification Sherloc (09022015). Collection method: clinical testing. Allele origin: germline.
Comment: In summary, the available evidence is currently insufficient to determine the role of this variant in disease. Therefore, it has been classified as a Variant of Uncertain Significance. Experimental studies and prediction algorithms are not available or were not evaluated, and the functional significance of this variant is currently unknown. This variant has not been reported in the literature in individuals affected with SOS1-related conditions. This variant is not present in population databases (gnomAD no frequency). This sequence change creates a premature translational stop signal (p.Pro1086Thrfs*21) in the SOS1 gene. It is expected to result in an absent or disrupted protein product. However, the current clinical and genetic evidence is not sufficient to establish whether loss-of-function variants in SOS1 cause disease.